The following is an entry in ClinVar:

ClinVar aggregate classification (germline): Uncertain significance. Review status: criteria provided, multiple submitters, no conflicts (2 of 4 stars). 4 submissions from 4 submitters: Uncertain significance (4). Last evaluated 2025-12-10.

Conditions:
Hereditary cancer-predisposing syndrome. Also called: Hereditary neoplastic syndrome; Tumor predisposition; Hereditary Cancer Syndrome; Neoplastic Syndromes, Hereditary. Identifiers: Orphanet 140162, MedGen C0027672, MeSH D009386, MONDO:0015356.
Familial cancer of breast. Also called: hereditary breast carcinoma; Hereditary breast cancer; BREAST CANCER, FAMILIAL. Identifiers: Orphanet 227535, MedGen C0346153, MONDO:0016419, OMIM 114480. Disease mechanism: loss of function.

Allele frequency attached by ClinVar (database versions not stated): gnomAD exomes 0.00001; gnomAD 0.00003 and 0.00004; TOPMed 0.00004.
gnomAD v4.1: 8 of 1,600,886 alleles (0.0005%); highest among the groups gnomAD compares: African/African-American, 0.011%; no homozygotes.

Submissions (4):

Labcorp Genetics (formerly Invitae), Labcorp
Classification: Uncertain significance for Familial cancer of breast. Last evaluated: 2025-12-10. Review status: criteria provided, single submitter. Criteria: Invitae Variant Classification Sherloc (09022015). Collection method: clinical testing. Allele origin: germline.
Comment: This sequence change replaces arginine, which is basic and polar, with glycine, which is neutral and non-polar, at codon 21 of the BARD1 protein (p.Arg21Gly). This variant is present in population databases (no rsID available, gnomAD 0.02%). This variant has not been reported in the literature in individuals affected with BARD1-related conditions. ClinVar contains an entry for this variant (Variation ID: 219681). An algorithm developed to predict the effect of missense changes on protein structure and function (PolyPhen-2) suggests that this variant is likely to be tolerated. In summary, the available evidence is currently insufficient to determine the role of this variant in disease. Therefore, it has been classified as a Variant of Uncertain Significance.

Ambry Genetics
Classification: Uncertain significance for Hereditary cancer-predisposing syndrome. Last evaluated: 2025-03-18. Review status: criteria provided, single submitter. Criteria: Ambry Variant Classification Scheme 2023. Collection method: clinical testing. Allele origin: germline.
Comment: The p.R21G variant (also known as c.61C>G), located in coding exon 1 of the BARD1 gene, results from a C to G substitution at nucleotide position 61. The arginine at codon 21 is replaced by glycine, an amino acid with dissimilar properties. This amino acid position is not well conserved in available vertebrate species. In addition, this alteration is predicted to be tolerated by in silico analysis. Since supporting evidence is limited at this time, the clinical significance of this alteration remains unclear.

GeneDx
Classification: Uncertain significance. Last evaluated: 2023-12-14. Review status: criteria provided, single submitter. Criteria: GeneDx Variant Classification Process June 2021. Collection method: clinical testing. Allele origin: germline. Affected: yes.
Comment: In silico analysis supports that this missense variant does not alter protein structure/function; Has not been previously published as pathogenic or benign to our knowledge

Color Diagnostics, LLC DBA Color Health
Classification: Uncertain significance for Hereditary cancer-predisposing syndrome. Last evaluated: 2019-01-25. Review status: criteria provided, single submitter. Criteria: ACMG Guidelines, 2015. Collection method: clinical testing. Allele origin: germline.

NM_000465.4(BARD1):c.61C>G (p.Arg21Gly)

Gene: BARD1 (BRCA1 associated RING domain 1; minus strand). Cytogenetic location: 2q35.
Variant type: single nucleotide variant.
Coding change: c.61C>G on transcript NM_000465.4 (MANE Select); coding-DNA position 61, C replaced by G.
Protein change: p.Arg21Gly; replaces arginine 21 with glycine.
Molecular consequence: missense variant. On other transcripts: non-coding transcript variant (3).
Genome position (GRCh38, 1-based): chr2:214,809,509, G>C on the plus strand (C>G on the coding strand, the complement: BARD1 is on the minus strand). VCF-style: chr2-214809509-G-C. GRCh37 (hg19) VCF-style: chr2-215674233-G-C.
Other names: c.61C>G, p.Arg21Gly (NM_001282543.2, NM_001282545.2, NM_001282548.2 and 1 more transcripts); short protein forms R21G.
Identifiers: ClinVar variation 219681 (VCV000219681.18), dbSNP rs864622206, ClinGen allele CA350284.